The following is an entry in ClinVar:

ClinVar aggregate classification (germline): Likely benign (0 of 4 stars; one submission).

Conditions:
RAB3GAP1-related disorder. Also called: RAB3GAP1-related disorders; RAB3GAP1-related condition.

Submission:

PreventionGenetics, part of Exact Sciences
Classification: Likely benign for RAB3GAP1-related condition. Last evaluated: 2023-09-13. Review status: no assertion criteria provided. Collection method: clinical testing. Allele origin: germline.
Comment: This variant is classified as likely benign based on ACMG/AMP sequence variant interpretation guidelines (Richards et al. 2015 PMID: 25741868, with internal and published modifications).

NM_012233.3(RAB3GAP1):c.117G>A (p.Leu39=)

Gene: RAB3GAP1 (RAB3 GTPase activating protein catalytic subunit 1; plus strand). Cytogenetic location: 2q21.3.
Variant type: single nucleotide variant.
Coding change: c.117G>A on transcript NM_012233.3 (MANE Select); coding-DNA position 117, G replaced by A.
Protein change: p.Leu39=; no amino-acid change (leucine 39 retained).
Molecular consequence: synonymous variant.
Genome position (GRCh38, 1-based): chr2:135,058,053, G>A. VCF-style: chr2-135058053-G-A. GRCh37 (hg19) VCF-style: chr2-135815623-G-A.
Other names: c.117G>A, p.Leu39= (NM_001172435.2).
Identifiers: ClinVar variation 3041999 (VCV003041999.2), dbSNP rs2468054561, ClinGen allele CA429079257.